The following is an entry in ClinVar:

ClinVar aggregate classification (germline): Uncertain significance (1 of 4 stars; one submission).

Conditions:
Emery-Dreifuss muscular dystrophy (EDMD). Also called: Scapuloperoneal syndrome, X-linked (formerly); Humeroperoneal neuromuscular disease, (formerly). Identifiers: Orphanet 261, MedGen C0410189, MONDO:0016830.

Submission:

Labcorp Genetics (formerly Invitae), Labcorp
Classification: Uncertain significance for Emery-Dreifuss muscular dystrophy. Last evaluated: 2023-05-16. Review status: criteria provided, single submitter. Criteria: Invitae Variant Classification Sherloc (09022015). Collection method: clinical testing. Allele origin: germline.
Comment: This variant, c.64_66del, results in the deletion of 1 amino acid(s) of the SUN2 protein (p.Ser22del), but otherwise preserves the integrity of the reading frame. In summary, the available evidence is currently insufficient to determine the role of this variant in disease. Therefore, it has been classified as a Variant of Uncertain Significance. Experimental studies and prediction algorithms are not available or were not evaluated, and the functional significance of this variant is currently unknown. This variant has not been reported in the literature in individuals affected with SUN2-related conditions. The frequency data for this variant in the population databases is considered unreliable, as metrics indicate poor data quality at this position in the gnomAD database.

NM_015374.3(SUN2):c.55AGC[3] (p.Ser22del)

Gene: SUN2 (Sad1 and UNC84 domain containing 2; minus strand). Cytogenetic location: 22q13.1.
Variant type: Microsatellite.
Coding change: c.55AGC[3] on transcript NM_015374.3 (MANE Select); three copies in a row of the 3-base unit AGC starting at c.55; the reference has four copies in a row; one copy, 3 bases deleted.
Protein change: p.Ser22del; deletes serine 22.
Molecular consequence: inframe deletion.
Genome position (GRCh38, 1-based): chr22:38,752,563-38,752,565, GCT deleted on the plus strand (AGC on the coding strand, the reverse complement: SUN2 is on the minus strand); deleting any 3 consecutive bases within chr22:38,752,563-38,752,576 gives the same sequence; the position shown is the placement nearest the transcript's 3' end. VCF-style (leftmost placement, unchanged base first): chr22-38752562-CGCT-C. GRCh37 (hg19) VCF-style: chr22-39148567-CGCT-C.
Other names: c.55AGC[3], p.Ser22del (NM_001199579.2, NM_001199580.2, NM_001394427.1 and 18 more transcripts); short protein forms S22del.
Identifiers: ClinVar variation 1502542 (VCV001502542.6), dbSNP rs781129819, ClinGen allele CA10236114.
Genomic context (GRCh38, chr22:38,752,562, plus strand): 5'-CCTACCTGAGAGGACTGTCTTTAAACAGGGTGCTCTGACTCCCAGCCACCGAGCTCCCTC[CGCT>C]GCTGCTGCTGCCGTCATCGTCACCCTGGGAGTAGCGCGTGAGGCGCTGGCTTCTTCGGGA-3'